The following is an entry in ClinVar:

ClinVar aggregate classification (germline): Conflicting classifications of pathogenicity. Review status: criteria provided, conflicting classifications (1 of 4 stars). 3 submissions from 3 submitters: Uncertain significance (2); Likely benign (1). Last evaluated 2023-03-23.

Conditions:
Hereditary cancer-predisposing syndrome. Also called: Tumor predisposition; Hereditary neoplastic syndrome; Neoplastic Syndromes, Hereditary; Hereditary Cancer Syndrome. Identifiers: Orphanet 140162, MedGen C0027672, MeSH D009386, MONDO:0015356.
Hereditary breast ovarian cancer syndrome. Also called: BRCA1- and BRCA2-Associated Hereditary Breast and Ovarian Cancer; Hereditary breast and ovarian cancer; Hereditary breast and ovarian cancer syndrome; Breast and ovarian cancer; Hereditary breast and/or ovarian cancer syndrome; Hereditary breast and ovarian cancer syndrome (HBOC). Identifiers: Orphanet 145, MedGen C0677776, MeSH D061325, MONDO:0003582. Disease mechanism: loss of function.

Submissions (3):

University of Washington Department of Laboratory Medicine, University of Washington
Classification: Likely benign for Hereditary cancer-predisposing syndrome. Last evaluated: 2023-03-23. Review status: criteria provided, single submitter. Criteria: Dines et al. (Genet Med. 2020). Collection method: curation. Allele origin: germline.
Comment: Missense variant in a coldspot region where missense variants are very unlikely to be pathogenic (PMID:31911673).

BRCA2 exon 11 coldspot. Reclassification based on statistical prior probability.

Ambry Genetics
Classification: Uncertain significance for Hereditary cancer-predisposing syndrome. Last evaluated: 2022-05-26. Review status: criteria provided, single submitter. Criteria: Ambry Variant Classification Scheme 2023. Collection method: clinical testing. Allele origin: germline.
Comment: The c.5886_5887delAGinsTA variant (also known as p.G1963R), located in coding exon 10 of the BRCA2 gene, results from an in-frame deletion of AG and insertion of TA at nucleotide positions 5886 to 5887. This results in the substitution of the glycine residue for an arginine residue at codon 1963, an amino acid with dissimilar properties. This variant was reported in 1/60,466 breast cancer cases and in 0/53,461 controls (Dorling et al. N Engl J Med. 2021 02;384:428-439). This amino acid position is not well conserved in available vertebrate species. Since supporting evidence is limited at this time, the clinical significance of this alteration remains unclear.

Labcorp Genetics (formerly Invitae), Labcorp
Classification: Uncertain significance for Hereditary breast ovarian cancer syndrome. Last evaluated: 2020-08-04. Review status: criteria provided, single submitter. Criteria: Invitae Variant Classification Sherloc (09022015). Collection method: clinical testing. Allele origin: germline.
Comment: In summary, the available evidence is currently insufficient to determine the role of this variant in disease. Therefore, it has been classified as a Variant of Uncertain Significance. Experimental studies and prediction algorithms are not available or were not evaluated, and the functional significance of this variant is currently unknown. This variant has not been reported in the literature in individuals with BRCA2-related conditions. The frequency data for this variant in the population databases is not available, as this variant may be reported as separate entries in the ExAC database. This sequence change replaces glycine with arginine at codon 1963 of the BRCA2 protein (p.Gly1963Arg). The glycine residue is moderately conserved and there is a moderate physicochemical difference between glycine and arginine.

Literature cited by the submitters: PubMed 33471991 (cited by Ambry Genetics).

NM_000059.4(BRCA2):c.5886_5887delinsTA (p.Gly1963Arg)

Gene: BRCA2 (BRCA2 DNA repair associated; plus strand). Cytogenetic location: 13q13.1.
Variant type: Indel.
Coding change: c.5886_5887delinsTA on transcript NM_000059.4 (MANE Select); coding-DNA positions 5886 to 5887, AG replaced by TA.
Protein change: p.Gly1963Arg; replaces glycine 1963 with arginine.
Molecular consequence: missense variant.
Genome position (GRCh38, 1-based): chr13:32,340,241-32,340,242, AG replaced by TA. VCF-style: chr13-32340241-AG-TA. GRCh37 (hg19) VCF-style: chr13-32914378-AG-TA.
Other names: short protein forms G1963R.
Identifiers: ClinVar variation 1009339 (VCV001009339.11), dbSNP rs2072540855, ClinGen allele CA2082828520.